The following is an entry in ClinVar:

NM_021005.4(NR2F2):c.856dup (p.Val286fs)

Gene: NR2F2 (nuclear receptor subfamily 2 group F member 2; plus strand). Cytogenetic location: 15q26.2.
Variant type: Duplication.
Coding change: c.856dup on transcript NM_021005.4 (MANE Select); coding-DNA position 856, one base duplicated (G; older notation c.856dupG).
Protein change: p.Val286fs; shifts the reading frame from valine 286.
Molecular consequence: frameshift variant.
Genome position (GRCh38, 1-based): chr15:96,334,489, G duplicated; the last of 2 consecutive G bases (chr15:96,334,488-96,334,489); duplicating either gives the same sequence. VCF-style (leftmost placement, unchanged base first): chr15-96334487-T-TG. GRCh37 (hg19) VCF-style: chr15-96877716-T-TG.
Other names: c.457dup, p.Val153fs (NM_001145155.2); c.397dup, p.Val133fs (NM_001145156.1, NM_001145157.2); c.856dupG (NM_021005.3); short protein forms V133fs, V153fs, V286fs.
Identifiers: ClinVar variation 280543 (VCV000280543.4), dbSNP rs886041730, ClinGen allele CA10603492.

ClinVar aggregate classification (germline): Pathogenic. Review status: criteria provided, single submitter (1 of 4 stars). 2 submissions from 2 submitters: Pathogenic (1). 1 of the submissions does not count toward it. Last evaluated 2019-06-29.

Conditions:
Congenital heart defects, multiple types, 4 (CHTD4). Identifiers: MedGen C4014310, MONDO:0014344, OMIM 615779.

Submissions (2):

GeneDx
Classification: Pathogenic. Last evaluated: 2019-06-29. Review status: criteria provided, single submitter. Criteria: GeneDx Variant Classification Process June 2021. Collection method: clinical testing. Allele origin: germline. Affected: yes.
Comment: Not observed in large population cohorts (Lek et al., 2016); This variant is associated with the following publications: (PMID: 29663647)

OMIM
Classification: Pathogenic for CONGENITAL HEART DEFECTS, MULTIPLE TYPES, 4. Last evaluated: 2020-06-02. Review status: no assertion criteria provided. Collection method: literature only. Allele origin: germline. Not counted in ClinVar's aggregate classification.

Literature cited by the submitters: PubMed 29663647 (cited by OMIM).